The following is an entry in ClinVar:

NM_000057.4(BLM):c.1699T>C (p.Trp567Arg)

Gene: BLM (BLM RecQ like helicase; plus strand). Cytogenetic location: 15q26.1.
Variant type: single nucleotide variant.
Coding change: c.1699T>C on transcript NM_000057.4 (MANE Select); coding-DNA position 1699, T replaced by C.
Protein change: p.Trp567Arg; replaces tryptophan 567 with arginine.
Molecular consequence: missense variant.
Genome position (GRCh38, 1-based): chr15:90,761,072, T>C. VCF-style: chr15-90761072-T-C. GRCh37 (hg19) VCF-style: chr15-91304302-T-C.
Other names: c.1699T>C, p.Trp567Arg (NM_001287246.2, NM_001287247.2); c.574T>C, p.Trp192Arg (NM_001287248.2); short protein forms W192R, W567R.
Identifiers: ClinVar variation 1778297 (VCV001778297.3), dbSNP rs2505428167, ClinGen allele CA393843650.

ClinVar aggregate classification (germline): Uncertain significance (1 of 4 stars; one submission).

Conditions:
Hereditary cancer-predisposing syndrome. Also called: Neoplastic Syndromes, Hereditary; Tumor predisposition; Hereditary Cancer Syndrome; Hereditary neoplastic syndrome. Identifiers: Orphanet 140162, MedGen C0027672, MeSH D009386, MONDO:0015356.

Submission:

Ambry Genetics
Classification: Uncertain significance for Hereditary cancer-predisposing syndrome. Last evaluated: 2024-09-21. Review status: criteria provided, single submitter. Criteria: Ambry Variant Classification Scheme 2023. Collection method: clinical testing. Allele origin: germline.
Comment: The p.W567R variant (also known as c.1699T>C), located in coding exon 6 of the BLM gene, results from a T to C substitution at nucleotide position 1699. The tryptophan at codon 567 is replaced by arginine, an amino acid with dissimilar properties. This amino acid position is conserved. In addition, the in silico prediction for this alteration is inconclusive. Since supporting evidence is limited at this time, the clinical significance of this alteration remains unclear.